The following is an entry in ClinVar:

NM_078470.6(COX15):c.832+3A>G

Gene: COX15 (cytochrome c oxidase assembly factor COX15; minus strand). Cytogenetic location: 10q24.2.
Variant type: single nucleotide variant.
Coding change: c.832+3A>G on transcript NM_078470.6 (MANE Select); 3 bases into the intron after coding-DNA position 832, A replaced by G.
Molecular consequence: intron variant.
Genome position (GRCh38, 1-based): chr10:99,720,984, T>C on the plus strand (A>G on the coding strand, the complement: COX15 is on the minus strand). VCF-style: chr10-99720984-T-C. GRCh37 (hg19) VCF-style: chr10-101480741-T-C.
Other names: c.832+3A>G (NM_001320974.2, NM_001372028.1, NM_001320975.2 and 4 more transcripts); c.295+3A>G (NM_001320976.2); c.805+30A>G (NM_001372026.1).
Identifiers: ClinVar variation 1930612 (VCV001930612.3), dbSNP rs1029873633, ClinGen allele CA212826425.

ClinVar aggregate classification (germline): Uncertain significance. Review status: criteria provided, multiple submitters, no conflicts (2 of 4 stars). 2 submissions from 2 submitters: Uncertain significance (2). Last evaluated 2026-04-01.

Allele frequency attached by ClinVar (database versions not stated): gnomAD 0.00003; TOPMed 0.00001.

Submissions (2):

GeneDx
Classification: Uncertain significance. Last evaluated: 2026-04-01. Review status: criteria provided, single submitter. Criteria: GeneDx Variant Classification Process June 2021. Collection method: clinical testing. Allele origin: germline.
Comment: Not observed at significant frequency in large population cohorts (gnomAD); In silico analysis suggests that this variant does not alter splicing; Has not been previously published as pathogenic or benign to our knowledge

Labcorp Genetics (formerly Invitae), Labcorp
Classification: Uncertain significance. Last evaluated: 2022-08-16. Review status: criteria provided, single submitter. Criteria: Invitae Variant Classification Sherloc (09022015). Collection method: clinical testing. Allele origin: germline.
Comment: This sequence change falls in intron 6 of the COX15 gene. It does not directly change the encoded amino acid sequence of the COX15 protein. It affects a nucleotide within the consensus splice site. This variant is not present in population databases (gnomAD no frequency). This variant has not been reported in the literature in individuals affected with COX15-related conditions. Variants that disrupt the consensus splice site are a relatively common cause of aberrant splicing (PMID: 17576681, 9536098). Algorithms developed to predict the effect of sequence changes on RNA splicing suggest that this variant may disrupt the consensus splice site. In summary, the available evidence is currently insufficient to determine the role of this variant in disease. Therefore, it has been classified as a Variant of Uncertain Significance.

Literature cited by the submitters: PubMed 17576681 (cited by Labcorp Genetics (formerly Invitae), Labcorp); PubMed 9536098 (cited by Labcorp Genetics (formerly Invitae), Labcorp).